The following is an entry in ClinVar:

ClinVar aggregate classification (germline): Uncertain significance. Review status: criteria provided, multiple submitters, no conflicts (2 of 4 stars). 2 submissions from 2 submitters: Uncertain significance (2). Last evaluated 2025-09-01.

Conditions:
Noonan syndrome 9 (NS9). Identifiers: Orphanet 648, MedGen C4225282, MONDO:0014691, OMIM 616559.

Allele frequency attached by ClinVar (database versions not stated): gnomAD exomes below 0.00001.
gnomAD v4.1: 2 of 1,610,724 alleles (0.00012%); highest among the groups gnomAD compares: Non-Finnish European, 0.000085%; no homozygotes.

Submissions (2):

CeGaT Center for Human Genetics Tuebingen
Classification: Uncertain significance. Last evaluated: 2025-09-01. Review status: criteria provided, single submitter. Criteria: CeGaT Center For Human Genetics Tuebingen Variant Classification Criteria Version 2. Collection method: clinical testing. Allele origin: germline. Affected: yes. Observed: 2 variant alleles.
Comment: SOS2: PM2, BP4

Labcorp Genetics (formerly Invitae), Labcorp
Classification: Uncertain significance for Noonan syndrome 9. Last evaluated: 2023-12-05. Review status: criteria provided, single submitter. Criteria: Invitae Variant Classification Sherloc (09022015). Collection method: clinical testing. Allele origin: germline.
Comment: This sequence change replaces leucine, which is neutral and non-polar, with valine, which is neutral and non-polar, at codon 186 of the SOS2 protein (p.Leu186Val). This variant is not present in population databases (gnomAD no frequency). This variant has not been reported in the literature in individuals affected with SOS2-related conditions. ClinVar contains an entry for this variant (Variation ID: 1335144). Advanced modeling of protein sequence and biophysical properties (such as structural, functional, and spatial information, amino acid conservation, physicochemical variation, residue mobility, and thermodynamic stability) performed at Invitae indicates that this missense variant is not expected to disrupt SOS2 protein function with a negative predictive value of 95%. In summary, the available evidence is currently insufficient to determine the role of this variant in disease. Therefore, it has been classified as a Variant of Uncertain Significance.

NM_006939.4(SOS2):c.556C>G (p.Leu186Val)

Gene: SOS2 (SOS Ras/Rho guanine nucleotide exchange factor 2; minus strand). Cytogenetic location: 14q21.3.
Variant type: single nucleotide variant.
Coding change: c.556C>G on transcript NM_006939.4 (MANE Select); coding-DNA position 556, C replaced by G.
Protein change: p.Leu186Val; replaces leucine 186 with valine.
Molecular consequence: missense variant.
Genome position (GRCh38, 1-based): chr14:50,188,655, G>C on the plus strand (C>G on the coding strand, the complement: SOS2 is on the minus strand). VCF-style: chr14-50188655-G-C. GRCh37 (hg19) VCF-style: chr14-50655373-G-C.
Other names: short protein forms L186V.
Identifiers: ClinVar variation 1335144 (VCV001335144.38), dbSNP rs2139734457, ClinGen allele CA389648273.